The following is an entry in ClinVar:

ClinVar aggregate classification (germline): Uncertain significance. Review status: criteria provided, multiple submitters, no conflicts (2 of 4 stars). 3 submissions from 3 submitters: Uncertain significance (2). 1 of the submissions does not count toward it. Last evaluated 2024-08-28.

Conditions:
Charcot-Marie-Tooth disease X-linked dominant 1. Also called: GJB1 Disorders: Charcot-Marie-Tooth Neuropathy (CMT1X) and Central Nervous System Phenotypes; CHARCOT-MARIE-TOOTH NEUROPATHY, X-LINKED, 1; CHARCOT-MARIE-TOOTH PERONEAL MUSCULAR ATROPHY, X-LINKED; X-linked Charcot-Marie-Tooth disease type 1; HEREDITARY MOTOR AND SENSORY NEUROPATHY, X-LINKED; HMSN, X-LINKED. Identifiers: Orphanet 101075, MedGen C0393808, MONDO:0010549, OMIM 302800.
Charcot-Marie-Tooth disease. Also called: Charcot-Marie-Tooth Hereditary Neuropathy; Charcot-Marie-Tooth Neuropathy. Identifiers: Orphanet 166, MedGen C0007959, MONDO:0015626.
Charcot-Marie-Tooth Neuropathy X. Identifiers: MedGen CN118851.

Allele frequency attached by ClinVar (database versions not stated): ExAC 0.00001; gnomAD exomes 0.00001 and 0.00002; gnomAD 0.00002; TOPMed 0.00009.

Submissions (3):

Labcorp Genetics (formerly Invitae), Labcorp
Classification: Uncertain significance for Charcot-Marie-Tooth Neuropathy X. Last evaluated: 2024-08-28. Review status: criteria provided, single submitter. Criteria: Invitae Variant Classification Sherloc (09022015). Collection method: clinical testing. Allele origin: germline.
Comment: This sequence change replaces valine, which is neutral and non-polar, with isoleucine, which is neutral and non-polar, at codon 170 of the GJB1 protein (p.Val170Ile). The frequency data for this variant in the population databases is considered unreliable, as metrics indicate poor data quality at this position in the gnomAD database. This missense change has been observed in individual(s) with Charcot-Marie-Tooth disease (PMID: 20039784). ClinVar contains an entry for this variant (Variation ID: 637926). Invitae Evidence Modeling of protein sequence and biophysical properties (such as structural, functional, and spatial information, amino acid conservation, physicochemical variation, residue mobility, and thermodynamic stability) indicates that this missense variant is not expected to disrupt GJB1 protein function with a negative predictive value of 80%. In summary, the available evidence is currently insufficient to determine the role of this variant in disease. Therefore, it has been classified as a Variant of Uncertain Significance.

Revvity Omics, Revvity
Classification: Uncertain significance for Charcot-Marie-Tooth disease X-linked dominant 1. Last evaluated: 2022-09-21. Review status: criteria provided, single submitter. Criteria: ACMG Guidelines, 2015. Collection method: clinical testing. Allele origin: germline.

Inherited Neuropathy Consortium
Classification: Uncertain significance for Charcot-Marie-Tooth disease. Review status: no assertion criteria provided. Collection method: literature only. Allele origin: germline. Affected: yes. Not counted in ClinVar's aggregate classification.

Literature cited by the submitters: PubMed 20039784 (cited by Labcorp Genetics (formerly Invitae), Labcorp and Inherited Neuropathy Consortium).

NM_000166.6(GJB1):c.508G>A (p.Val170Ile)

Gene: GJB1 (gap junction protein beta 1; plus strand). Cytogenetic location: Xq13.1.
Variant type: single nucleotide variant.
Coding change: c.508G>A on transcript NM_000166.6 (MANE Select); coding-DNA position 508, G replaced by A.
Protein change: p.Val170Ile; replaces valine 170 with isoleucine.
Molecular consequence: missense variant.
Genome position (GRCh38, 1-based): chrX:71,224,215, G>A. VCF-style: chrX-71224215-G-A. GRCh37 (hg19) VCF-style: chrX-70444065-G-A.
Other names: c.508G>A, p.Val170Ile (NM_001097642.3); short protein forms V170I.
Identifiers: ClinVar variation 637926 (VCV000637926.6), dbSNP rs748095370, ClinGen allele CA10445310.
Genomic context (GRCh38, chrX:71,224,215, plus strand): 5'-ATGTATGTCTTTTATCTGCTCTACCCTGGCTATGCCATGGTGCGGCTGGTCAAGTGCGAC[G>A]TCTACCCCTGCCCCAACACAGTGGACTGCTTCGTGTCCCGCCCCACCGAGAAAACCGTCT-3'
Protein context (NP_000157.1, residues 160-180): YAMVRLVKCD[Val170Ile]YPCPNTVDCF